The following is an entry in ClinVar:

ClinVar aggregate classification (germline): Uncertain significance (1 of 4 stars; one submission).

Conditions:
Cardiovascular phenotype. Identifiers: MedGen CN230736.

Submission:

Ambry Genetics
Classification: Uncertain significance for Cardiovascular phenotype. Last evaluated: 2023-11-06. Review status: criteria provided, single submitter. Criteria: Ambry Variant Classification Scheme 2023. Collection method: clinical testing. Allele origin: germline.
Comment: The p.K124R variant (also known as c.371A>G), located in coding exon 2 of the TBX20 gene, results from an A to G substitution at nucleotide position 371. The lysine at codon 124 is replaced by arginine, an amino acid with highly similar properties. This amino acid position is highly conserved in available vertebrate species. In addition, the in silico prediction for this alteration is inconclusive. Since supporting evidence is limited at this time, the clinical significance of this alteration remains unclear.

NM_001077653.2(TBX20):c.371A>G (p.Lys124Arg)

Gene: TBX20 (T-box transcription factor 20; minus strand). Cytogenetic location: 7p14.2.
Variant type: single nucleotide variant.
Coding change: c.371A>G on transcript NM_001077653.2 (MANE Select); coding-DNA position 371, A replaced by G.
Protein change: p.Lys124Arg; replaces lysine 124 with arginine.
Molecular consequence: missense variant.
Genome position (GRCh38, 1-based): chr7:35,249,960, T>C on the plus strand (A>G on the coding strand, the complement: TBX20 is on the minus strand). VCF-style: chr7-35249960-T-C. GRCh37 (hg19) VCF-style: chr7-35289572-T-C.
Other names: c.371A>G, p.Lys124Arg (NM_001166220.1); short protein forms K124R.
Identifiers: ClinVar variation 3232612 (VCV003232612.1), dbSNP rs2546997262, ClinGen allele CA367264896.